The following continues an entry in ClinVar:

NM_000091.5(COL4A3):c.2083G>A (p.Gly695Arg)

ClinVar aggregate classification (germline): Pathogenic/Likely pathogenic. Pathogenic (13); Likely pathogenic (7).

Submissions 8 to 26 of 26:

Women's Health and Genetics/Laboratory Corporation of America, LabCorp
Classification: Likely pathogenic for Autosomal recessive Alport syndrome. Last evaluated: 2025-12-08. Review status: criteria provided, single submitter. Criteria: LabCorp Variant Classification Summary - May 2015. Collection method: clinical testing. Allele origin: germline.
Comment: Variant summary: COL4A3 c.2083G>A (p.Gly695Arg) results in a non-conservative amino acid change in the Triple-helical region (Uniprot) of the encoded protein sequence that impacts a glycine residue at position 1 of a Gly-X-Y repeat in the collagenous domain of of the collagen IV alpha 3 chain. Five of five in-silico tools predict a damaging effect of the variant on protein function. The variant allele was found at a frequency of 0.00011 in 246794 control chromosomes. This frequency is not significantly higher than estimated for a pathogenic variant in COL4A3 causing Alport Syndrome, Autosomal Recessive (0.00011 vs 0.0014), allowing no conclusion about variant significance. c.2083G>A has been reported in the literature as heterozygous and compound heterozygous genotypes in individuals with features of Alport syndrome, including Focal Segmental Glomerulosclerosis (FSG), thin glomerular basement membrane, and IgA nephropathy (e.g., Storey_2013, Chatterjee_2013, Malone_2014, Gillion_2018, Daga_2014, Li_2020). These reports suggest the variant is likely to cause autosomal recessive disease, and while the variant has been shown to segregate with autosomal dominant disease in at least one family (e.g., Li_2020), reportedly incomplete penetrance in autosomal dominant disease was also observed (e.g., Malone_2014). To our knowledge, no experimental evidence demonstrating an impact on protein function has been reported. The following publications have been ascertained in the context of this evaluation (PMID: 24130771, 29098738, 24033287, 34400539, 29854973, 32647767, 25229338, 24052634). ClinVar contains an entry for this variant (Variation ID: 369964). Based on the evidence outlined above, the variant was classified as likely pathogenic.

Clinical Genetics Laboratory, Skane University Hospital Lund
Classification: Likely pathogenic for Alport syndrome. Last evaluated: 2025-11-05. Review status: criteria provided, single submitter. Criteria: ACMG Guidelines, 2015. Collection method: clinical testing. Allele origin: germline. Affected: yes.
Comment: ACMG criteria used: PM2, PM3_strong and PP3.

Natera, Inc.
Classification: Pathogenic for Alport syndrome. Last evaluated: 2025-07-31. Review status: criteria provided, single submitter. Criteria: Natera Variant Classification Schema (03/2026). Collection method: clinical testing. Allele origin: germline.
Comment: The c.2083G>A variant in COL4A3 is a missense variant predicted to cause substitution of glycine to arginine at amino acid 695. This variant is rare in the general population with a frequency below the threshold expected for the associated phenotype(s). This variant has been observed in one or more individuals affected with the associated recessive disease, as either homozygous or compound heterozygous with a second variant (PMID: 24052634, 29854973, 28780565, 24854265). This variant has been observed in affected individual(s) with monoallelic occurrence (heterozygous/hemizygous) (PMID: 38214412, 24033287, 33838161). This variant has been observed to segregate in affected family members (PMID: 38214412, 24033287, 33838161). Computational prediction algorithms indicate this variant is likely to affect gene or protein function. Given the available evidence, this variant is classified as Pathogenic.

Mayo Clinic Laboratories, Mayo Clinic
Classification: Pathogenic. Last evaluated: 2025-06-10. Review status: criteria provided, single submitter. Criteria: ACMG Guidelines, 2015. Collection method: clinical testing. Allele origin: germline. Observed: 4 variant alleles.
Comment: PP3, PM1_strong, PS4

Variantyx, Inc.
Classification: Likely pathogenic for Alport syndrome 3b, autosomal recessive. Last evaluated: 2025-06-10. Review status: criteria provided, single submitter. Criteria: Variantyx Assertion Criteria 2022. Collection method: clinical testing. Allele origin: germline. Inheritance: Autosomal recessive inheritance. Affected: yes.
Comment: This is a nonsynonymous variant in the COL4A3 gene (OMIM: 120070). Pathogenic variants in this gene have been associated with autosomal recessive Alport spectrum. This variant has been reported in the heterozygous or compound heterozygous state in multiple unrelated, affected individuals (PMID: 24130771, 24052634, 14871398, 30406062, 33712733, 33040356). Additionally, the frequency of this variant was found to be significantly increased in individuals with hematuria compared to controls (PMID: 30476138, 34662886) (PS4). The alteration replaces a glycine residue in the repetitive Gly-X-Y sequence of the triple helical domain (amino acids 43-1438), which disrupts the structure of type IV fibrillar collagen and is a common disease mechanism in collagenopathies (PMID: 35177655, 33854215) (PM1). An alternate amino acid change at this codon (p.Gly695Glu) has been reported in an affected individual; however, its pathogenicity has not been established (PMID: 34400539), but multiple computational algorithms predict a deleterious effect for this substitution (PP3). This variant has a 0.0216% maximum allele frequency in non-founder control populations. Based on the current evidence, this variant is classified as likely pathogenic for autosomal recessive Alport spectrum.

CeGaT Center for Human Genetics Tuebingen
Classification: Likely pathogenic. Last evaluated: 2025-06-01. Review status: criteria provided, single submitter. Criteria: CeGaT Center For Human Genetics Tuebingen Variant Classification Criteria Version 2. Collection method: clinical testing. Allele origin: germline. Affected: yes. Observed: 1 variant allele.
Comment: COL4A3: PM1:Strong, PM2, PS4:Moderate, PP1

Centre for Clinical Genetics and Genomic Diagnostics, Zealand University Hospital
Classification: Pathogenic. Last evaluated: 2025-02-17. Review status: criteria provided, single submitter. Criteria: ACMG Guidelines, 2015. Collection method: clinical testing. Allele origin: germline. Affected: yes.

Fulgent Genetics
Classification: Pathogenic for Autosomal dominant Alport syndrome; Hematuria, benign familial, 2; Alport syndrome 3b, autosomal recessive. Last evaluated: 2024-02-11. Review status: criteria provided, single submitter. Criteria: ACMG Guidelines, 2015. Collection method: clinical testing. Allele origin: germline.

Molecular Genetics, Royal Melbourne Hospital
Classification: Pathogenic for Alport syndrome. Last evaluated: 2023-03-30. Review status: criteria provided, single submitter. Criteria: ACMG Guidelines, 2015. Collection method: clinical testing. Allele origin: germline. Affected: yes.
Comment: This sequence change is predicted to replace glycine with arginine at codon 695 of the COL4A3 protein, p.(Gly695Arg). The glycine residue is highly conserved (100 vertebrates, UCSC), and there is a large physicochemical difference between glycine and arginine. The glycine residue is in a Gly-X-Y motif in the collagen triple helical region. The variant is present in a large population cohort at a frequency of 0.01%, which is consistent with a recessive condition (rs200287952, 31/278,152 alleles, 0 homozygotes in gnomAD v2.1). It has been identified compound heterozygous with a second pathogenic allele in at least one case with Alport syndrome (PMID: 24052634). Furthermore, the prevalence of the variant in individuals with moderate/severe haematuria is significantly increased compared with the prevalence in controls (PMID: 30476138), and segregates with thin basement membrane nephropathy in at least two families with autosomal dominant inheritance (PMID: 23325022, 25229338). Multiple lines of computational evidence predict a deleterious effect for the missense substitution (7/7 algorithms). Based on the classification scheme RMH ACMG Guidelines v1.2.1, this variant is classified as PATHOGENIC. Following criteria are met: PS4, PM1, PM3, PP1_Moderate, PM2_Supporting, PP3.

Institute of Human Genetics Munich, TUM University Hospital
Classification: Likely pathogenic for Autosomal dominant Alport syndrome. Last evaluated: 2022-12-13. Review status: criteria provided, single submitter. Criteria: Classification criteria August 2017. Collection method: clinical testing. Allele origin: germline. Inheritance: Autosomal dominant inheritance. Affected: yes. Observed: 1 variant allele.

MGZ Medical Genetics Center
Classification: Likely pathogenic for Hematuria, benign familial, 1. Last evaluated: 2022-04-08. Review status: criteria provided, single submitter. Criteria: ACMG Guidelines, 2015. Collection method: clinical testing. Allele origin: germline. Affected: yes. Observed: 1 variant allele.
Comment: ACMG criteria applied: PM1_STR, PM2_SUP, PM3_SUP, PP3

ARUP Laboratories, Molecular Genetics and Genomics, ARUP Laboratories
Classification: Pathogenic. Last evaluated: 2019-06-21. Review status: criteria provided, single submitter. Criteria: ARUP Molecular Germline Variant Investigation Process. Collection method: clinical testing. Allele origin: germline.

Clinical Genetics Service, Universitary Hospital 12 de Octubre
Classification: Pathogenic for Autosomal dominant Alport syndrome. Review status: criteria provided, single submitter. Criteria: ACMG Guidelines, 2015. Collection method: clinical testing. Allele origin: germline. Affected: yes.

Equipe Genetique des Anomalies du Developpement, Université de Bourgogne
Classification: Likely pathogenic for Autosomal dominant Alport syndrome. Last evaluated: 2020-09-01. Review status: no assertion criteria provided. Collection method: clinical testing. Allele origin: maternal. Affected: yes. Observed: 2 variant alleles. Not counted in ClinVar's aggregate classification.

Bioscientia Institut fuer Medizinische Diagnostik GmbH, Sonic Healthcare
Classification: Pathogenic for Autosomal dominant Alport syndrome. Last evaluated: 2018-06-14. Review status: no assertion criteria provided. Collection method: clinical testing. Allele origin: germline. Affected: yes. Not counted in ClinVar's aggregate classification.

Genome Diagnostics Laboratory, University Medical Center Utrecht
Classification: Pathogenic. Review status: no assertion criteria provided. Collection method: clinical testing. Allele origin: germline. Affected: yes. Study: VKGL Data-share Consensus. Not counted in ClinVar's aggregate classification.

Joint Genome Diagnostic Labs from Nijmegen and Maastricht, Radboudumc and MUMC+
Classification: Pathogenic. Review status: no assertion criteria provided. Collection method: clinical testing. Allele origin: germline. Affected: yes. Study: VKGL Data-share Consensus. Not counted in ClinVar's aggregate classification.

Laboratory of Diagnostic Genome Analysis, Leiden University Medical Center (LUMC)
Classification: Likely pathogenic. Review status: no assertion criteria provided. Collection method: clinical testing. Allele origin: germline. Affected: yes. Study: VKGL Data-share Consensus. Not counted in ClinVar's aggregate classification.

Genome Diagnostics Laboratory, The Hospital for Sick Children
Classification: Uncertain significance for Kidney disorder. Last evaluated: 2016-12-12. Review status: flagged submission. Criteria: ACMG Guidelines, 2015. Collection method: clinical testing. Allele origin: germline. Not counted in ClinVar's aggregate classification.
ClinVar note: Reason: Outlier claim with insufficient supporting evidence

Literature cited by the submitters: PubMed 30476138 (cited by 3 submitters); PubMed 12028435 (cited by Victorian Clinical Genetics Services, Murdoch Childrens Research Institute); PubMed 14871398 (cited by 3 submitters); PubMed 24052634 (cited by 7 submitters); PubMed 36938085 (cited by Centre de Génétique Humaine, Institut de Pathologie Et de Génétique and Mayo Clinic Laboratories, Mayo Clinic); PubMed 37849993 (cited by Centre de Génétique Humaine, Institut de Pathologie Et de Génétique and Mayo Clinic Laboratories, Mayo Clinic); PubMed 38317457 (cited by Centre de Génétique Humaine, Institut de Pathologie Et de Génétique); PubMed 25229338 (cited by 3 submitters); PubMed 29098738 (cited by Labcorp Genetics (formerly Invitae), Labcorp and Women's Health and Genetics/Laboratory Corporation of America, LabCorp); PubMed 29854973 (cited by 3 submitters); PubMed 24130771 (cited by 3 submitters); PubMed 34400539 (cited by Women's Health and Genetics/Laboratory Corporation of America, LabCorp); PubMed 24033287 (cited by Women's Health and Genetics/Laboratory Corporation of America, LabCorp and Natera, Inc.); PubMed 32647767 (cited by Women's Health and Genetics/Laboratory Corporation of America, LabCorp and Mayo Clinic Laboratories, Mayo Clinic); PubMed 28780565 (cited by Natera, Inc.); PubMed 24854265 (cited by Natera, Inc.); PubMed 38214412 (cited by Natera, Inc. and Mayo Clinic Laboratories, Mayo Clinic); PubMed 33838161 (cited by Natera, Inc.); PubMed 30406062 (cited by Mayo Clinic Laboratories, Mayo Clinic); PubMed 32939031 (cited by Mayo Clinic Laboratories, Mayo Clinic); PubMed 33040356 (cited by Mayo Clinic Laboratories, Mayo Clinic); PubMed 33712733 (cited by Mayo Clinic Laboratories, Mayo Clinic); PubMed 34662886 (cited by Mayo Clinic Laboratories, Mayo Clinic and Variantyx, Inc.); PubMed 35325889 (cited by Mayo Clinic Laboratories, Mayo Clinic); PubMed 35372954 (cited by Mayo Clinic Laboratories, Mayo Clinic); PubMed 36117978 (cited by Mayo Clinic Laboratories, Mayo Clinic); PubMed 36925663 (cited by Mayo Clinic Laboratories, Mayo Clinic); PubMed 35177655 (cited by Variantyx, Inc.); PubMed 33854215 (cited by Variantyx, Inc.); PubMed 27627812 (cited by Variantyx, Inc.); PubMed 23325022 (cited by Molecular Genetics, Royal Melbourne Hospital).